The following is an entry in ClinVar:

NM_138477.4(CDAN1):c.2805-3T>C

Gene: CDAN1 (codanin 1; minus strand). Cytogenetic location: 15q15.2.
Variant type: single nucleotide variant.
Coding change: c.2805-3T>C on transcript NM_138477.4 (MANE Select); 3 bases into the intron before coding-DNA position 2805, T replaced by C.
Molecular consequence: intron variant.
Genome position (GRCh38, 1-based): chr15:42,728,270, A>G on the plus strand (T>C on the coding strand, the complement: CDAN1 is on the minus strand). VCF-style: chr15-42728270-A-G. GRCh37 (hg19) VCF-style: chr15-43020468-A-G.
Identifiers: ClinVar variation 3042601 (VCV003042601.3), dbSNP rs139032045, ClinGen allele CA7515446.

ClinVar aggregate classification (germline): Likely benign. Review status: criteria provided, single submitter (1 of 4 stars). 2 submissions from 2 submitters: Likely benign (1). 1 of the submissions does not count toward it. Last evaluated 2022-03-29.

Conditions:
CDAN1-related disorder. Also called: CDAN1-related condition.

Allele frequency attached by ClinVar (database versions not stated): TOPMed below 0.00001; ExAC 0.00001; gnomAD 0.00001; gnomAD exomes 0.00001; 1000 Genomes Project 30x 0.00031; 1000 Genomes Project 0.00040.
gnomAD v4.1: 13 of 1,613,830 alleles (0.00081%); highest among the groups gnomAD compares: East Asian, 0.011%; no homozygotes.

Submissions (2):

Blueprint Genetics
Classification: Likely benign. Last evaluated: 2022-03-29. Review status: criteria provided, single submitter. Criteria: ACMG Guidelines, 2015. Collection method: clinical testing. Allele origin: germline.

PreventionGenetics, part of Exact Sciences
Classification: Likely benign for CDAN1-related condition. Last evaluated: 2019-07-08. Review status: no assertion criteria provided. Collection method: clinical testing. Allele origin: germline. Not counted in ClinVar's aggregate classification.
Comment: This variant is classified as likely benign based on ACMG/AMP sequence variant interpretation guidelines (Richards et al. 2015 PMID: 25741868, with internal and published modifications).